The following is an entry in ClinVar:

ClinVar aggregate classification (germline): Uncertain significance (1 of 4 stars; one submission).

Submission:

GeneDx
Classification: Uncertain significance. Last evaluated: 2023-03-15. Review status: criteria provided, single submitter. Criteria: GeneDx Variant Classification Process June 2021. Collection method: clinical testing. Allele origin: germline. Affected: yes.
Comment: Not observed at significant frequency in large population cohorts (gnomAD); In silico analysis supports that this missense variant has a deleterious effect on protein structure/function; Has not been previously published as pathogenic or benign to our knowledge

NM_003070.5(SMARCA2):c.3932G>C (p.Arg1311Pro)

Gene: SMARCA2 (SWI/SNF related BAF chromatin remodeling complex subunit ATPase 2; plus strand). Cytogenetic location: 9p24.3.
Variant type: single nucleotide variant.
Coding change: c.3932G>C on transcript NM_003070.5 (MANE Select); coding-DNA position 3932, G replaced by C.
Protein change: p.Arg1311Pro; replaces arginine 1311 with proline.
Molecular consequence: missense variant.
Genome position (GRCh38, 1-based): chr9:2,123,888, G>C. VCF-style: chr9-2123888-G-C. GRCh37 (hg19) VCF-style: chr9-2123888-G-C.
Other names: c.3932G>C, p.Arg1311Pro (NM_001289396.2, NM_139045.4); c.3758G>C, p.Arg1253Pro (NM_001289397.2); short protein forms R1253P, R1311P.
Identifiers: ClinVar variation 2444615 (VCV002444615.1), dbSNP rs2537420358, ClinGen allele CA372790754.